The following is an entry in ClinVar:

ClinVar aggregate classification (germline): Uncertain significance. Review status: criteria provided, multiple submitters, no conflicts (2 of 4 stars). 3 submissions from 3 submitters: Uncertain significance (3). Last evaluated 2024-03-26.

Conditions:
Hereditary cancer-predisposing syndrome. Also called: Neoplastic Syndromes, Hereditary; Tumor predisposition; Hereditary neoplastic syndrome; Hereditary Cancer Syndrome. Identifiers: Orphanet 140162, MedGen C0027672, MeSH D009386, MONDO:0015356.
Fanconi anemia complementation group J. Also called: BRIP1-Related Fanconi Anemia. Identifiers: Orphanet 84, MedGen C1836860, MONDO:0012187, OMIM 609054.
Familial cancer of breast. Also called: BREAST CANCER, FAMILIAL; Hereditary breast cancer; hereditary breast carcinoma. Identifiers: Orphanet 227535, MedGen C0346153, MONDO:0016419, OMIM 114480. Disease mechanism: loss of function.

Submissions (3):

Fulgent Genetics
Classification: Uncertain significance for Familial cancer of breast; Fanconi anemia complementation group J. Last evaluated: 2024-03-26. Review status: criteria provided, single submitter. Criteria: ACMG Guidelines, 2015. Collection method: clinical testing. Allele origin: germline.

Labcorp Genetics (formerly Invitae), Labcorp
Classification: Uncertain significance for Familial cancer of breast; Fanconi anemia complementation group J. Last evaluated: 2022-05-14. Review status: criteria provided, single submitter. Criteria: Invitae Variant Classification Sherloc (09022015). Collection method: clinical testing. Allele origin: germline.
Comment: Algorithms developed to predict the effect of missense changes on protein structure and function are either unavailable or do not agree on the potential impact of this missense change (SIFT: "Tolerated"; PolyPhen-2: "Probably Damaging"; Align-GVGD: "Class C0"). This variant has not been reported in the literature in individuals affected with BRIP1-related conditions. This variant is not present in population databases (gnomAD no frequency). This sequence change replaces proline, which is neutral and non-polar, with alanine, which is neutral and non-polar, at codon 244 of the BRIP1 protein (p.Pro244Ala). In summary, the available evidence is currently insufficient to determine the role of this variant in disease. Therefore, it has been classified as a Variant of Uncertain Significance.

Ambry Genetics
Classification: Uncertain significance for Hereditary cancer-predisposing syndrome. Last evaluated: 2021-11-22. Review status: criteria provided, single submitter. Criteria: Ambry Variant Classification Scheme 2023. Collection method: clinical testing. Allele origin: germline.
Comment: The p.P244A variant (also known as c.730C>G), located in coding exon 6 of the BRIP1 gene, results from a C to G substitution at nucleotide position 730. The proline at codon 244 is replaced by alanine, an amino acid with highly similar properties. This amino acid position is conserved. In addition, the in silico prediction for this alteration is inconclusive. Since supporting evidence is limited at this time, the clinical significance of this alteration remains unclear.

NM_032043.3(BRIP1):c.730C>G (p.Pro244Ala)

Gene: BRIP1 (BRCA1 interacting DNA helicase 1; minus strand). Cytogenetic location: 17q23.2.
Variant type: single nucleotide variant.
Coding change: c.730C>G on transcript NM_032043.3 (MANE Select); coding-DNA position 730, C replaced by G.
Protein change: p.Pro244Ala; replaces proline 244 with alanine.
Molecular consequence: missense variant.
Genome position (GRCh38, 1-based): chr17:61,808,655, G>C on the plus strand (C>G on the coding strand, the complement: BRIP1 is on the minus strand). VCF-style: chr17-61808655-G-C. GRCh37 (hg19) VCF-style: chr17-59886016-G-C.
Other names: short protein forms P244A.
Identifiers: ClinVar variation 1758248 (VCV001758248.8), dbSNP rs2545197875, ClinGen allele CA400485034.